The following is an entry in ClinVar:

NM_031307.4(PUS3):c.1225C>T (p.Arg409Cys)

Genes: HYLS1 (HYLS1 centriolar and ciliogenesis associated; plus strand), PUS3 (pseudouridine synthase 3; minus strand). Cytogenetic location: 11q24.2.
Variant type: single nucleotide variant.
Coding change: c.1225C>T on transcript NM_031307.4 (MANE Select); coding-DNA position 1225, C replaced by T.
Protein change: p.Arg409Cys; replaces arginine 409 with cysteine.
Molecular consequence: missense variant. On other transcripts: intron variant (5).
Genome position (GRCh38, 1-based): chr11:125,894,006, G>A on the plus strand (C>T on the coding strand, the complement: PUS3 is on the minus strand). VCF-style: chr11-125894006-G-A. GRCh37 (hg19) VCF-style: chr11-125763901-G-A.
Other names: c.601C>T, p.Arg201Cys (NM_001271985.2); c.-81+2534G>A (NM_145014.3); c.-26+2534G>A (NM_001134793.2); c.-23+2534G>A (NM_001424364.1); c.-25-5338G>A (NM_001377269.1); c.-22-5341G>A (NM_001377270.1); short protein forms R201C, R409C.
Identifiers: ClinVar variation 3377694 (VCV003377694.2).
Genomic context (GRCh38, chr11:125,894,006, plus strand): 5'-GCTGGATCCGGGATTCCAGTCCTTGGCATTTAGGACGGTCCATGAGGGGCTTATATGTGC[G>A]CATCTTCACTCCTTCTACAAAGGCACTGGTCTGCTTTATGACAGAGGGCTTAACATTTCC-3'
Protein context (NP_112597.4, residues 399-419): TSAFVEGVKM[Arg409Cys]TYKPLMDRPK

ClinVar aggregate classification (germline): Uncertain significance (1 of 4 stars; one submission).

Conditions:
Severe growth deficiency-strabismus-extensive dermal melanocytosis-intellectual disability syndrome (NEDMIGS). Also called: NEURODEVELOPMENTAL DISORDER WITH MICROCEPHALY AND GRAY SCLERAE. Identifiers: Orphanet 488627, MedGen C4310745, MONDO:0014886, OMIM 617051.

gnomAD v4.1: 20 of 1,614,126 alleles (0.0012%); highest among the groups gnomAD compares: East Asian, 0.0089%; no homozygotes.

Submission:

Neuberg Centre For Genomic Medicine, NCGM
Classification: Uncertain significance for Severe growth deficiency-strabismus-extensive dermal melanocytosis-intellectual disability syndrome. Review status: criteria provided, single submitter. Criteria: ACMG Guidelines, 2015. Collection method: clinical testing. Allele origin: germline. Inheritance: Autosomal recessive inheritance. Affected: yes.
Comment: The missense c.1225C>T(p.Arg409Cys) variant in PUS3 gene has not been reported previously as a pathogenic variant nor as a benign variant, to our knowledge. This variant is present with allele frequency of 0.001% in gnomAD Exomes. This variant has not been submitted to the ClinVar database. Multiple lines of computational evidence (Polyphen - Probably Damaging, SIFT - Damaging and MutationTaster - Disease causing) predict damaging effect on protein structure and function for this variant. The reference amino acid at this position on PUS3 gene is predicted as conserved by GERP++ and PhyloP across 100 vertebrates. The amino acid Arg at position 409 is changed to a Cys changing protein sequence and it might alter its composition and physico-chemical properties. For these reasons, this variant has been classified as a Variant of Uncertain Significance (VUS).